The following is an entry in ClinVar:

NM_024747.6(HPS6):c.754del (p.Arg252fs)

Gene: HPS6 (HPS6 biogenesis of lysosomal organelles complex 2 subunit 3; plus strand). Cytogenetic location: 10q24.32.
Variant type: Deletion.
Coding change: c.754del on transcript NM_024747.6 (MANE Select); coding-DNA position 754, one base deleted (C; older notation c.754delC).
Protein change: p.Arg252fs; shifts the reading frame from arginine 252.
Molecular consequence: frameshift variant.
Genome position (GRCh38, 1-based): chr10:102,066,228, C deleted; the last of 2 consecutive C bases (chr10:102,066,227-102,066,228); deleting either gives the same sequence. VCF-style (leftmost placement, unchanged base first): chr10-102066226-TC-T. GRCh37 (hg19) VCF-style: chr10-103825983-TC-T.
Other names: short protein forms R252fs.
Identifiers: ClinVar variation 2635847 (VCV002635847.1), dbSNP rs749791114, ClinGen allele CA5659848.

ClinVar aggregate classification (germline): Likely pathogenic (1 of 4 stars; one submission).

Conditions:
HPS6-related disorder. Also called: HPS6-related condition.

Submission:

PreventionGenetics, part of Exact Sciences
Classification: Likely pathogenic for HPS6-related condition. Last evaluated: 2023-03-16. Review status: criteria provided, single submitter. Criteria: ACMG Guidelines, 2015. Collection method: clinical testing. Allele origin: germline.
Comment: The HPS6 c.754delC variant is predicted to result in a frameshift and premature protein termination (p.Arg252Glyfs*38). To our knowledge, this variant has not been reported in the literature. This variant is reported in 0.0062% of alleles in individuals of African descent in gnomAD. Frameshift variants in HPS6 are expected to be pathogenic. This variant is interpreted as likely pathogenic.